The following is an entry in ClinVar:

ClinVar aggregate classification (germline): Uncertain significance (1 of 4 stars; one submission).

Submission:

Labcorp Genetics (formerly Invitae), Labcorp
Classification: Uncertain significance. Last evaluated: 2025-01-22. Review status: criteria provided, single submitter. Criteria: Invitae Variant Classification Sherloc (09022015). Collection method: clinical testing. Allele origin: germline.
Comment: This sequence change replaces alanine, which is neutral and non-polar, with glycine, which is neutral and non-polar, at codon 1631 of the KMT2B protein (p.Ala1631Gly). This variant is not present in population databases (gnomAD no frequency). This variant has not been reported in the literature in individuals affected with KMT2B-related conditions. Invitae Evidence Modeling of protein sequence and biophysical properties (such as structural, functional, and spatial information, amino acid conservation, physicochemical variation, residue mobility, and thermodynamic stability) has been performed for this missense variant. However, the output from this modeling did not meet the statistical confidence thresholds required to predict the impact of this variant on KMT2B protein function. Algorithms developed to predict the effect of sequence changes on RNA splicing suggest that this variant may create or strengthen a splice site. In summary, the available evidence is currently insufficient to determine the role of this variant in disease. Therefore, it has been classified as a Variant of Uncertain Significance.

NM_014727.3(KMT2B):c.4892C>G (p.Ala1631Gly)

Gene: KMT2B (lysine methyltransferase 2B; plus strand). Cytogenetic location: 19q13.12.
Variant type: single nucleotide variant.
Coding change: c.4892C>G on transcript NM_014727.3 (MANE Select); coding-DNA position 4892, C replaced by G.
Protein change: p.Ala1631Gly; replaces alanine 1631 with glycine.
Molecular consequence: missense variant.
Genome position (GRCh38, 1-based): chr19:35,729,271, C>G. VCF-style: chr19-35729271-C-G. GRCh37 (hg19) VCF-style: chr19-36220172-C-G.
Other names: short protein forms A1631G.
Identifiers: ClinVar variation 3657418 (VCV003657418.2).